The following is an entry in ClinVar:

NC_000007.14:g.31008671T>G

Genes: ADCYAP1R1 (ADCYAP receptor type I; plus strand), GHRHR (growth hormone releasing hormone receptor; plus strand), LOC105375222 (uncharacterized LOC105375222; plus strand). Cytogenetic location: 7p14.3.
Variant type: single nucleotide variant.
Genome position: GRCh38 VCF-style: chr7-31008671-T-G. GRCh37 (hg19) VCF-style: chr7-31048286-T-G.
Identifiers: ClinVar variation 3029687 (VCV003029687.2), dbSNP rs2535160752, ClinGen allele CA2740097331.
Genomic context (GRCh38, chr7:31,008,671, plus strand): 5'-TACACAGACTTCTAGGCGCAGCCCATGTCTTCTCTCTTCCAGGAAGTCCTTCCCAATGCC[T>G]CCTGTCCCGGGATCTCTCCCTCCATTCCTTCTGTAGCATACATTTGAGATCCTACTATAT-3'

ClinVar aggregate classification (germline): Likely benign (0 of 4 stars; one submission).

Conditions:
GHRHR-related disorder. Also called: GHRHR-related condition.

Submission:

PreventionGenetics, part of Exact Sciences
Classification: Likely benign for GHRHR-related condition. Last evaluated: 2021-11-22. Review status: no assertion criteria provided. Collection method: clinical testing. Allele origin: germline.
Comment: This variant is classified as likely benign based on ACMG/AMP sequence variant interpretation guidelines (Richards et al. 2015 PMID: 25741868, with internal and published modifications).